The following is an entry in ClinVar:

ClinVar aggregate classification (germline): Likely benign. Review status: criteria provided, single submitter (1 of 4 stars). 2 submissions from 1 submitter: Likely benign (2). Last evaluated 2018-01-12.

Conditions:
Nephronophthisis 12 (NPHP12). Identifiers: Orphanet 655, MedGen C3151186, MONDO:0013442, OMIM 613820.
Asphyxiating thoracic dystrophy 4 (SRTD4). Also called: SHORT-RIB THORACIC DYSPLASIA 4 WITH OR WITHOUT POLYDACTYLY; SHORT-RIB THORACIC DYSPLASIA 4. Identifiers: Orphanet 474, MedGen C3151185, MONDO:0013441, OMIM 613819.

Allele frequency attached by ClinVar (database versions not stated): TOPMed 0.00249; gnomAD 0.00376 and 0.00414; 1000 Genomes Project 0.00639; 1000 Genomes Project 30x 0.00687.

Submissions (2):

Illumina Laboratory Services, Illumina
Classification: Likely benign for Nephronophthisis 12. Last evaluated: 2018-01-12. Review status: criteria provided, single submitter. Criteria: ICSL Variant Classification Criteria 13 December 2019. Collection method: clinical testing. Allele origin: germline.
Comment: This variant was observed in the ICSL laboratory as part of a predisposition screen in an ostensibly healthy population. It had not been previously curated by ICSL or reported in the Human Gene Mutation Database (HGMD: prior to June 1st, 2018), and was therefore a candidate for classification through an automated scoring system. Utilizing variant allele frequency, disease prevalence and penetrance estimates, and inheritance mode, an automated score was calculated to assess if this variant is too frequent to cause the disease. Based on the score and internal cut-off values, a variant classified as likely benign is not then subjected to further curation. The score for this variant resulted in a classification of likely benign for this disease.

Illumina Laboratory Services, Illumina
Classification: Likely benign for Asphyxiating thoracic dystrophy 4. Last evaluated: 2018-01-12. Review status: criteria provided, single submitter. Criteria: ICSL Variant Classification Criteria 13 December 2019. Collection method: clinical testing. Allele origin: germline.
Comment: the same text as in the submission from Illumina Laboratory Services, Illumina above.

NM_024753.5(TTC21B):c.*656G>A

Gene: TTC21B (tetratricopeptide repeat domain 21B; minus strand). Cytogenetic location: 2q24.3.
Variant type: single nucleotide variant.
Coding change: c.*656G>A on transcript NM_024753.5 (MANE Select); 656 bases downstream of the stop codon, G replaced by A.
Molecular consequence: 3 prime UTR variant.
Genome position (GRCh38, 1-based): chr2:165,874,099, C>T on the plus strand (G>A on the coding strand, the complement: TTC21B is on the minus strand). VCF-style: chr2-165874099-C-T. GRCh37 (hg19) VCF-style: chr2-166730609-C-T.
Identifiers: ClinVar variation 331805 (VCV000331805.5), dbSNP rs180737925, ClinGen allele CA10611151.